The following is an entry in ClinVar:

ClinVar aggregate classification (germline): Uncertain significance (1 of 4 stars; one submission).

Conditions:
Primary ciliary dyskinesia 28. Also called: CILIARY DYSKINESIA, PRIMARY, 28, WITH OR WITHOUT SITUS INVERSUS. Identifiers: Orphanet 244, MedGen C3809706, MONDO:0014216, OMIM 615505.

Submission:

Labcorp Genetics (formerly Invitae), Labcorp
Classification: Uncertain significance for Primary ciliary dyskinesia 28. Last evaluated: 2022-03-02. Review status: criteria provided, single submitter. Criteria: Invitae Variant Classification Sherloc (09022015). Collection method: clinical testing. Allele origin: germline.
Comment: In summary, the available evidence is currently insufficient to determine the role of this variant in disease. Therefore, it has been classified as a Variant of Uncertain Significance. Algorithms developed to predict the effect of missense changes on protein structure and function output the following: SIFT: "Deleterious"; PolyPhen-2: "Benign"; Align-GVGD: "Class C0". The lysine amino acid residue is found in multiple mammalian species, which suggests that this missense change does not adversely affect protein function. This variant has not been reported in the literature in individuals affected with SPAG1-related conditions. This variant is not present in population databases (gnomAD no frequency). This sequence change replaces glutamic acid, which is acidic and polar, with lysine, which is basic and polar, at codon 732 of the SPAG1 protein (p.Glu732Lys).

NM_003114.5(SPAG1):c.2194G>A (p.Glu732Lys)

Gene: SPAG1 (sperm associated antigen 1; plus strand). Cytogenetic location: 8q22.2.
Variant type: single nucleotide variant.
Coding change: c.2194G>A on transcript NM_003114.5 (MANE Select); coding-DNA position 2194, G replaced by A.
Protein change: p.Glu732Lys; replaces glutamic acid 732 with lysine.
Molecular consequence: missense variant.
Genome position (GRCh38, 1-based): chr8:100,239,318, G>A. VCF-style: chr8-100239318-G-A. GRCh37 (hg19) VCF-style: chr8-101251546-G-A.
Other names: c.2194G>A, p.Glu732Lys (NM_001374321.1, NM_172218.3); short protein forms E732K.
Identifiers: ClinVar variation 1474304 (VCV001474304.6), dbSNP rs2132443145, ClinGen allele CA371817127.